The following is an entry in ClinVar:

ClinVar aggregate classification (germline): Uncertain significance (1 of 4 stars; one submission).

Allele frequency attached by ClinVar (database versions not stated): gnomAD exomes below 0.00001.
gnomAD v4.1: 1 of 1,613,808 alleles (0.000062%); highest among the groups gnomAD compares: Non-Finnish European, 0.000085%; no homozygotes.

Submission:

Ambry Genetics
Classification: Uncertain significance. Last evaluated: 2024-06-12. Review status: criteria provided, single submitter. Criteria: Ambry Variant Classification Scheme 2023. Collection method: clinical testing. Allele origin: germline.
Comment: The p.R799G variant (also known as c.2395A>G), located in coding exon 12 of the PALLD gene, results from an A to G substitution at nucleotide position 2395. The arginine at codon 799 is replaced by glycine, an amino acid with dissimilar properties. This amino acid position is conserved. In addition, the in silico prediction for this alteration is inconclusive. Since supporting evidence is limited at this time, the clinical significance of this alteration remains unclear.

NM_001166108.2(PALLD):c.2446A>G (p.Arg816Gly)

Genes: CBR4 (carbonyl reductase 4; minus strand), PALLD (palladin, cytoskeletal associated protein; plus strand). Cytogenetic location: 4q32.3.
Variant type: single nucleotide variant.
Coding change: c.2446A>G on transcript NM_001166108.2 (MANE Select); coding-DNA position 2446, A replaced by G.
Protein change: p.Arg816Gly; replaces arginine 816 with glycine.
Molecular consequence: missense variant.
Genome position (GRCh38, 1-based): chr4:168,898,688, A>G. VCF-style: chr4-168898688-A-G. GRCh37 (hg19) VCF-style: chr4-169819839-A-G.
Other names: c.1249A>G, p.Arg417Gly (NM_001166109.2); c.934A>G, p.Arg312Gly (NM_001166110.2); c.274A>G, p.Arg92Gly (NM_001367567.1, NM_001367569.1); c.325A>G, p.Arg109Gly (NM_001367568.1, NM_001367570.1); c.2395A>G, p.Arg799Gly (NM_016081.4); short protein forms R109G, R417G, R92G, R312G, R799G, R816G.
Identifiers: ClinVar variation 1790603 (VCV001790603.3), dbSNP rs1755799948, ClinGen allele CA358799157.